The following is an entry in ClinVar:

NM_177438.3(DICER1):c.2339C>T (p.Pro780Leu)

Gene: DICER1 (dicer 1, ribonuclease III; minus strand). Cytogenetic location: 14q32.13.
Variant type: single nucleotide variant.
Coding change: c.2339C>T on transcript NM_177438.3 (MANE Select); coding-DNA position 2339, C replaced by T.
Protein change: p.Pro780Leu; replaces proline 780 with leucine.
Molecular consequence: missense variant.
Genome position (GRCh38, 1-based): chr14:95,108,421, G>A on the plus strand (C>T on the coding strand, the complement: DICER1 is on the minus strand). VCF-style: chr14-95108421-G-A. GRCh37 (hg19) VCF-style: chr14-95574758-G-A.
Other names: c.2339C>T (NM_177438.2); c.2339C>T, p.Pro780Leu (NM_001195573.1, NM_001271282.3, NM_001291628.2 and 1 more transcripts); short protein forms P780L.
Identifiers: ClinVar variation 1052404 (VCV001052404.11), dbSNP rs2140032662, ClinGen allele CA390882258.

ClinVar aggregate classification (germline): Uncertain significance. Review status: criteria provided, multiple submitters, no conflicts (2 of 4 stars). 2 submissions from 2 submitters: Uncertain significance (2). Last evaluated 2023-01-04.

Conditions:
DICER1-related tumor predisposition. Also called: DICER1-related pleuropulmonary blastoma cancer predisposition syndrome; DICER1 syndrome. Identifiers: Orphanet 284343, MedGen C3839822, MONDO:0100216.
Hereditary cancer-predisposing syndrome. Also called: Hereditary Cancer Syndrome; Tumor predisposition; Hereditary neoplastic syndrome; Neoplastic Syndromes, Hereditary. Identifiers: Orphanet 140162, MedGen C0027672, MeSH D009386, MONDO:0015356.

Submissions (2):

Ambry Genetics
Classification: Uncertain significance for Hereditary cancer-predisposing syndrome. Last evaluated: 2023-01-04. Review status: criteria provided, single submitter. Criteria: Ambry Variant Classification Scheme 2023. Collection method: clinical testing. Allele origin: germline.
Comment: The p.P780L variant (also known as c.2339C>T), located in coding exon 14 of the DICER1 gene, results from a C to T substitution at nucleotide position 2339. The proline at codon 780 is replaced by leucine, an amino acid with similar properties. This amino acid position is highly conserved in available vertebrate species. In addition, this alteration is predicted to be deleterious by in silico analysis. Since supporting evidence is limited at this time, the clinical significance of this alteration remains unclear.

Labcorp Genetics (formerly Invitae), Labcorp
Classification: Uncertain significance for DICER1-related tumor predisposition. Last evaluated: 2020-09-01. Review status: criteria provided, single submitter. Criteria: Invitae Variant Classification Sherloc (09022015). Collection method: clinical testing. Allele origin: germline.
Comment: Algorithms developed to predict the effect of missense changes on protein structure and function are either unavailable or do not agree on the potential impact of this missense change (SIFT: "Deleterious"; PolyPhen-2: "Probably Damaging"; Align-GVGD: "Class C0"). This variant has not been reported in the literature in individuals with DICER1-related conditions. This variant is not present in population databases (ExAC no frequency). This sequence change replaces proline with leucine at codon 780 of the DICER1 protein (p.Pro780Leu). The proline residue is highly conserved and there is a moderate physicochemical difference between proline and leucine. In summary, the available evidence is currently insufficient to determine the role of this variant in disease. Therefore, it has been classified as a Variant of Uncertain Significance.